The following is an entry in ClinVar:

NM_016239.4(MYO15A):c.5065T>C (p.Tyr1689His)

Gene: MYO15A (myosin XVA; plus strand). Cytogenetic location: 17p11.2.
Variant type: single nucleotide variant.
Coding change: c.5065T>C on transcript NM_016239.4 (MANE Select); coding-DNA position 5065, T replaced by C.
Protein change: p.Tyr1689His; replaces tyrosine 1689 with histidine.
Molecular consequence: missense variant.
Genome position (GRCh38, 1-based): chr17:18,138,868, T>C. VCF-style: chr17-18138868-T-C. GRCh37 (hg19) VCF-style: chr17-18042182-T-C.
Other names: short protein forms Y1689H.
Identifiers: ClinVar variation 1422202 (VCV001422202.6), dbSNP rs2142328418, ClinGen allele CA398598294.

ClinVar aggregate classification (germline): Uncertain significance (1 of 4 stars; one submission).

Allele frequency attached by ClinVar (database versions not stated): gnomAD exomes below 0.00001.
gnomAD v4.1: 1 of 1,613,786 alleles (0.000062%); highest among the groups gnomAD compares: South Asian, 0.0011%; no homozygotes.

Submission:

Labcorp Genetics (formerly Invitae), Labcorp
Classification: Uncertain significance. Last evaluated: 2022-02-03. Review status: criteria provided, single submitter. Criteria: Invitae Variant Classification Sherloc (09022015). Collection method: clinical testing. Allele origin: germline.
Comment: This sequence change replaces tyrosine, which is neutral and polar, with histidine, which is basic and polar, at codon 1689 of the MYO15A protein (p.Tyr1689His). This variant is not present in population databases (gnomAD no frequency). This missense change has been observed in individual(s) with deafness (Invitae). In at least one individual the data is consistent with being in trans (on the opposite chromosome) from a pathogenic variant. Algorithms developed to predict the effect of missense changes on protein structure and function are either unavailable or do not agree on the potential impact of this missense change (SIFT: "Deleterious"; PolyPhen-2: "Not Available"; Align-GVGD: "Class C65"). In summary, the available evidence is currently insufficient to determine the role of this variant in disease. Therefore, it has been classified as a Variant of Uncertain Significance.